The following is an entry in ClinVar:

NM_001267550.2(TTN):c.105747_105766del (p.Pro35250fs)

Genes: TTN-AS1 (TTN antisense RNA 1; plus strand), TTN (titin; minus strand), LOC129935183 (ATAC-STARR-seq lymphoblastoid active region 16808; plus strand). Cytogenetic location: 2q31.2.
Variant type: Deletion.
Coding change: c.105747_105766del on transcript NM_001267550.2 (MANE Select); coding-DNA positions 105747 to 105766, 20 bases deleted (TCCAAAACGAGTGAAATCTC).
Protein change: p.Pro35250fs; shifts the reading frame from proline 35250.
Molecular consequence: frameshift variant.
Genome position (GRCh38, 1-based): chr2:178,530,849-178,530,868, GAGATTTCACTCGTTTTGGA deleted on the plus strand (TCCAAAACGAGTGAAATCTC on the coding strand, the reverse complement: TTN is on the minus strand); deleting any 20 consecutive bases within chr2:178,530,849-178,530,870 gives the same sequence; the c. name uses the placement nearest the transcript's 3' end. VCF-style (leftmost placement, unchanged base first): chr2-178530848-GGAGATTTCACTCGTTTTGGA-G. GRCh37 (hg19) VCF-style: chr2-179395575-GGAGATTTCACTCGTTTTGGA-G.
Other names: c.98043_98062del20 (NM_133378.4); c.78552_78571del20 (NM_003319.4); c.100824_100843del, p.Pro33609fs (NM_001256850.1); c.78552_78571del, p.Pro26185fs (NM_003319.4); c.98043_98062del, p.Pro32682fs (NM_133378.4); c.78927_78946del, p.Pro26310fs (NM_133432.3); c.79128_79147del, p.Pro26377fs (NM_133437.4); short protein forms P26185fs, P33609fs, P26377fs, P35250fs, P26310fs, P32682fs.
Identifiers: ClinVar variation 1908101 (VCV001908101.7), dbSNP rs1688812000, ClinGen allele CA1310515117.
Genomic context (GRCh38, chr2:178,530,848, plus strand): 5'-TTCTCTGTTGGTGTTGGTTTTGTCTCTGTGGGTGATACGGCTTTCGGGTGAGAAGGTTCT[GGAGATTTCACTCGTTTTGGA>G]GACTTAACTGCTTCTGGGGATTTCACCCGAGGCTCTGGGGATTTGACTCTTGGTGGTGAT-3'

ClinVar aggregate classification (germline): Likely pathogenic. Review status: criteria provided, multiple submitters, no conflicts (2 of 4 stars). 3 submissions from 3 submitters: Likely pathogenic (3). Last evaluated 2024-07-22.

Conditions:
Dilated cardiomyopathy 1G (CMD1G). Identifiers: Orphanet 154, MedGen C1858763, MONDO:0011400, OMIM 604145.
Autosomal recessive limb-girdle muscular dystrophy type 2J (LGMDR10). Also called: Limb-girdle muscular dystrophy, type 2J; MUSCULAR DYSTROPHY, LIMB-GIRDLE, AUTOSOMAL RECESSIVE 10. Identifiers: Orphanet 140922, MedGen C1837342, MONDO:0012127, OMIM 608807.
Cardiovascular phenotype. Identifiers: MedGen CN230736.
Primary familial dilated cardiomyopathy (FDC). Also called: Hypokinetic dilated cardiomyopathy, familial; Familial dilated cardiomyopathy. Identifiers: Orphanet 217607, MedGen C0340427, MONDO:0016333.

Submissions (3):

Labcorp Genetics (formerly Invitae), Labcorp
Classification: Likely pathogenic for Dilated cardiomyopathy 1G; Autosomal recessive limb-girdle muscular dystrophy type 2J. Last evaluated: 2024-07-22. Review status: criteria provided, single submitter. Criteria: Invitae Variant Classification Sherloc (09022015). Collection method: clinical testing. Allele origin: germline.
Comment: This sequence change creates a premature translational stop signal (p.Pro35250Argfs*42) in the TTN gene. While this is not anticipated to result in nonsense mediated decay, it is expected to create a truncated TTN protein. This variant is not present in population databases (gnomAD no frequency). This variant has not been reported in the literature in individuals affected with TTN-related conditions. ClinVar contains an entry for this variant (Variation ID: 1908101). This variant is located in the M band of TTN (PMID: 25589632). Truncating variants in this region have been previously reported in individuals affected with autosomal recessive myopathy and muscular dystrophy (PMID: 18948003, 23975875, 24395473). Truncating variants in this region have also been identified in individuals affected with autosomal dominant dilated cardiomyopathy and/or cardio-related conditions (PMID: 27869827, 32964742, Invitae internal data). In summary, the currently available evidence indicates that the variant is pathogenic, but additional data are needed to prove that conclusively. Therefore, this variant has been classified as Likely Pathogenic.

Ambry Genetics
Classification: Likely pathogenic for Cardiovascular phenotype. Last evaluated: 2024-02-23. Review status: criteria provided, single submitter. Criteria: Ambry Variant Classification Scheme 2023. Collection method: clinical testing. Allele origin: germline.
Comment: The c.78552_78571del20 variant, located in coding exon 185 of the TTN gene, results from a deletion of 20 nucleotides at nucleotide positions 78552 to 78571, causing a translational frameshift with a predicted alternate stop codon (p.P26185Rfs*42). This exon is located in the M-band region of the N2-B isoform of the titin protein and is constitutively expressed in TTN transcripts (percent spliced in or PSI 100%). This variant is considered to be rare based on population cohorts in the Genome Aggregation Database (gnomAD). This alteration is expected to result in loss of function by premature protein truncation or nonsense-mediated mRNA decay. While truncating variants in TTN are present in 1-3% of the general population, truncating variants in the M-band have been reported in association with autosomal recessive titinopathies, primarily presenting with skeletal myopathy phenotypes (Ceyhan-Birsoy O et al. Neurology. 2013 Oct 1;81(14):1205-14; De Cid R et al. Neurology. 2015;85(24):2126-35). In addition, regardless of their position, TTN truncating variants encoded in constitutive exons (PSI >90%) have been found to be significantly associated with dilated cardiomyopathy (DCM), though truncating variants in the A-band are the most common cause of DCM (Herman DS et al. N. Engl. J. Med., 2012 Feb;366:619-28; Roberts AM et al. Sci Transl Med, 2015 Jan;7:270ra6; Schafer S et al. Nat. Genet., 2017 01;49:46-53). Based on the majority of available evidence to date, this variant is likely to be pathogenic in association with autosomal recessive titinopathy; however, the clinical significance of this alteration with respect to cardiomyopathy remains unclear.

Women's Health and Genetics/Laboratory Corporation of America, LabCorp
Classification: Likely pathogenic for Primary familial dilated cardiomyopathy. Last evaluated: 2024-01-22. Review status: criteria provided, single submitter. Criteria: LabCorp Variant Classification Summary - May 2015. Collection method: clinical testing. Allele origin: germline.
Comment: Variant summary: TTN c.98043_98062del20 (p.Pro32682ArgfsX42) results in a premature termination codon, predicted to cause a truncation of the encoded protein or absence of the protein due to nonsense mediated decay, which are commonly known mechanisms for disease. This variant is in the exon encoding for the M-band region and this exon is constitutively expressed (proportion spliced in [PSI]>0.9) in the primary cardiac isoforms (PMIDs: 25589632, 31216868, 32964742, 27869827). The variant was absent in 280356 control chromosomes. To our knowledge, no occurrence of c.98043_98062del20 in individuals affected with Dilated Cardiomyopathy or other TTN-related diseases, and no experimental evidence demonstrating its impact on protein function have been reported. ClinVar contains an entry for this variant (Variation ID: 1908101). Based on the evidence outlined above, the variant was classified as likely pathogenic.

Literature cited by the submitters: PubMed 25589632 (cited by Labcorp Genetics (formerly Invitae), Labcorp); PubMed 18948003 (cited by Labcorp Genetics (formerly Invitae), Labcorp); PubMed 23975875 (cited by Labcorp Genetics (formerly Invitae), Labcorp); PubMed 24395473 (cited by Labcorp Genetics (formerly Invitae), Labcorp); PubMed 27869827 (cited by Labcorp Genetics (formerly Invitae), Labcorp); PubMed 32964742 (cited by Labcorp Genetics (formerly Invitae), Labcorp).